The following is an entry in ClinVar:

ClinVar aggregate classification (germline): Benign (1 of 4 stars; one submission).

Allele frequency attached by ClinVar (database versions not stated): gnomAD 0.01818 and 0.01939; TOPMed 0.02051; 1000 Genomes Project 0.02137; 1000 Genomes Project 30x 0.02264.
gnomAD v4.1: 2,737 of 152,262 alleles (1.8%); highest among the groups gnomAD compares: African/African-American, 6.2%; 108 homozygotes.

Submission:

GeneDx
Classification: Benign. Last evaluated: 2018-06-19. Review status: criteria provided, single submitter. Criteria: GeneDx Variant Classification (06012015). Collection method: clinical testing. Allele origin: germline. Affected: yes.
Comment: This variant is considered likely benign or benign based on one or more of the following criteria: it is a conservative change, it occurs at a poorly conserved position in the protein, it is predicted to be benign by multiple in silico algorithms, and/or has population frequency not consistent with disease.

NM_024537.4(CARS2):c.785+231G>T

Gene: CARS2 (cysteinyl-tRNA synthetase 2, mitochondrial; minus strand). Cytogenetic location: 13q34.
Variant type: single nucleotide variant.
Coding change: c.785+231G>T on transcript NM_024537.4 (MANE Select); 231 bases into the intron after coding-DNA position 785, G replaced by T.
Molecular consequence: intron variant.
Genome position (GRCh38, 1-based): chr13:110,676,743, C>A on the plus strand (G>T on the coding strand, the complement: CARS2 is on the minus strand). VCF-style: chr13-110676743-C-A. GRCh37 (hg19) VCF-style: chr13-111329090-C-A.
Other names: c.-2+231G>T (NM_001352252.2); c.785+231G>T (NM_001352253.3).
Identifiers: ClinVar variation 674114 (VCV000674114.1), dbSNP rs73616053, ClinGen allele CA256305902.